The following is an entry in ClinVar:

ClinVar aggregate classification (germline): Uncertain significance (1 of 4 stars; one submission).

Conditions:
Hereditary cancer-predisposing syndrome. Also called: Hereditary Cancer Syndrome; Tumor predisposition; Hereditary neoplastic syndrome; Neoplastic Syndromes, Hereditary. Identifiers: Orphanet 140162, MedGen C0027672, MeSH D009386, MONDO:0015356.

Submission:

Ambry Genetics
Classification: Uncertain significance for Hereditary cancer-predisposing syndrome. Last evaluated: 2024-07-17. Review status: criteria provided, single submitter. Criteria: Ambry Variant Classification Scheme 2023. Collection method: clinical testing. Allele origin: germline.
Comment: The p.V1312A variant (also known as c.3935T>C), located in coding exon 19 of the MET gene, results from a T to C substitution at nucleotide position 3935. The valine at codon 1312 is replaced by alanine, an amino acid with similar properties. This amino acid position is conserved. In addition, the in silico prediction for this alteration is inconclusive. Based on the available evidence, the clinical significance of this variant remains unclear.

NM_000245.4(MET):c.3881T>C (p.Val1294Ala)

Gene: MET (MET proto-oncogene, receptor tyrosine kinase; plus strand). Cytogenetic location: 7q31.2.
Variant type: single nucleotide variant.
Coding change: c.3881T>C on transcript NM_000245.4 (MANE Select); coding-DNA position 3881, T replaced by C.
Protein change: p.Val1294Ala; replaces valine 1294 with alanine.
Molecular consequence: missense variant.
Genome position (GRCh38, 1-based): chr7:116,795,737, T>C. VCF-style: chr7-116795737-T-C. GRCh37 (hg19) VCF-style: chr7-116435791-T-C.
Other names: c.3935T>C, p.Val1312Ala (NM_001127500.3); c.2591T>C, p.Val864Ala (NM_001324402.2); short protein forms V1312A, V1294A, V864A.
Identifiers: ClinVar variation 3395111 (VCV003395111.1).